The following is an entry in ClinVar:

NM_004168.4(SDHA):c.1280G>T (p.Gly427Val)

Gene: SDHA (succinate dehydrogenase complex flavoprotein subunit A; plus strand). Cytogenetic location: 5p15.33.
Variant type: single nucleotide variant.
Coding change: c.1280G>T on transcript NM_004168.4 (MANE Select); coding-DNA position 1280, G replaced by T.
Protein change: p.Gly427Val; replaces glycine 427 with valine.
Molecular consequence: missense variant.
Genome position (GRCh38, 1-based): chr5:236,447, G>T. VCF-style: chr5-236447-G-T. GRCh37 (hg19) VCF-style: chr5-236562-G-T.
Other names: c.1136G>T, p.Gly379Val (NM_001294332.2); c.1280G>T, p.Gly427Val (NM_001330758.2); c.1280G>T (NM_004168.2); short protein forms G427V, G379V.
Identifiers: ClinVar variation 935292 (VCV000935292.11), dbSNP rs1735782215, ClinGen allele CA359013838.

ClinVar aggregate classification (germline): Uncertain significance. Review status: criteria provided, multiple submitters, no conflicts (2 of 4 stars). 2 submissions from 2 submitters: Uncertain significance (2). Last evaluated 2025-03-25.

Conditions:
Mitochondrial complex II deficiency, nuclear type 1. Also called: SUCCINATE CoQ REDUCTASE DEFICIENCY. Identifiers: Orphanet 3208, MedGen C5700310, MONDO:0100294, OMIM 252011.
Pheochromocytoma/paraganglioma syndrome 5. Also called: Paragangliomas 5; SDHA-Related Hereditary Paraganglioma-Pheochromocytoma Syndrome. Identifiers: Orphanet 29072, MedGen C3279992, MONDO:0013602, OMIM 614165.
Hereditary cancer-predisposing syndrome. Also called: Hereditary Cancer Syndrome; Neoplastic Syndromes, Hereditary; Tumor predisposition; Hereditary neoplastic syndrome. Identifiers: Orphanet 140162, MedGen C0027672, MeSH D009386, MONDO:0015356.

Submissions (2):

Ambry Genetics
Classification: Uncertain significance for Hereditary cancer-predisposing syndrome. Last evaluated: 2025-03-25. Review status: criteria provided, single submitter. Criteria: Ambry Variant Classification Scheme 2023. Collection method: clinical testing. Allele origin: germline.
Comment: The p.G427V variant (also known as c.1280G>T), located in coding exon 10 of the SDHA gene, results from a G to T substitution at nucleotide position 1280. The glycine at codon 427 is replaced by valine, an amino acid with dissimilar properties. This amino acid position is conserved. In addition, the in silico prediction for this alteration is inconclusive. Based on the available evidence, the clinical significance of this variant remains unclear.

Labcorp Genetics (formerly Invitae), Labcorp
Classification: Uncertain significance for Pheochromocytoma/paraganglioma syndrome 5; Mitochondrial complex II deficiency, nuclear type 1. Last evaluated: 2022-07-19. Review status: criteria provided, single submitter. Criteria: Invitae Variant Classification Sherloc (09022015). Collection method: clinical testing. Allele origin: germline.
Comment: In summary, the available evidence is currently insufficient to determine the role of this variant in disease. Therefore, it has been classified as a Variant of Uncertain Significance. Advanced modeling of protein sequence and biophysical properties (such as structural, functional, and spatial information, amino acid conservation, physicochemical variation, residue mobility, and thermodynamic stability) performed at Invitae indicates that this missense variant is not expected to disrupt SDHA protein function. ClinVar contains an entry for this variant (Variation ID: 935292). This variant has not been reported in the literature in individuals affected with SDHA-related conditions. This variant is not present in population databases (gnomAD no frequency). This sequence change replaces glycine, which is neutral and non-polar, with valine, which is neutral and non-polar, at codon 427 of the SDHA protein (p.Gly427Val).